The following is an entry in ClinVar:

NM_002291.3(LAMB1):c.468T>C (p.Phe156=)

Gene: LAMB1 (laminin subunit beta 1; minus strand). Cytogenetic location: 7q31.1.
Variant type: single nucleotide variant.
Coding change: c.468T>C on transcript NM_002291.3 (MANE Select); coding-DNA position 468, T replaced by C.
Protein change: p.Phe156=; no amino-acid change (phenylalanine 156 retained).
Molecular consequence: synonymous variant.
Genome position (GRCh38, 1-based): chr7:107,986,319, A>G on the plus strand (T>C on the coding strand, the complement: LAMB1 is on the minus strand). VCF-style: chr7-107986319-A-G. GRCh37 (hg19) VCF-style: chr7-107626764-A-G.
Identifiers: ClinVar variation 388115 (VCV000388115.29), dbSNP rs149792171, ClinGen allele CA4436280.
Genomic context (GRCh38, chr7:107,986,319, plus strand): 5'-GCCTGGAAACGAGGCCTCACAGTCATAGGCGAAGTATCTATACACACCCCAGGTTTTCCC[A>G]AAGTCGGACGATCGTTCTATCAGCATAGCAGCTGGACGGAATGTCTAAAGGCAGGAGCAA-3'
Protein context (NP_002282.2, residues 146-166): AAMLIERSSD[Phe156=]GKTWGVYRYF

ClinVar aggregate classification (germline): Benign/Likely benign. Review status: criteria provided, multiple submitters, no conflicts (2 of 4 stars). 5 submissions from 5 submitters: Benign (1); Likely benign (4). Last evaluated 2026-01-27.

Allele frequency attached by ClinVar (database versions not stated): gnomAD exomes 0.00035 and 0.00079; ExAC 0.00096; 1000 Genomes Project 30x 0.00156; 1000 Genomes Project 0.00160; gnomAD 0.00251 and 0.00272; TOPMed 0.00276; ESP Exome Variant Server 0.00277.
gnomAD v4.1: 920 of 1,610,072 alleles (0.057%); highest among the groups gnomAD compares: African/African-American, 0.78%; 7 homozygotes.

Submissions (5):

Labcorp Genetics (formerly Invitae), Labcorp
Classification: Benign. Last evaluated: 2026-01-27. Review status: criteria provided, single submitter. Criteria: Invitae Variant Classification Sherloc (09022015). Collection method: clinical testing. Allele origin: germline.

CeGaT Center for Human Genetics Tuebingen
Classification: Likely benign. Last evaluated: 2025-02-01. Review status: criteria provided, single submitter. Criteria: CeGaT Center For Human Genetics Tuebingen Variant Classification Criteria Version 2. Collection method: clinical testing. Allele origin: germline. Affected: yes. Observed: 1 variant allele.
Comment: LAMB1: BP4

Blueprint Genetics
Classification: Likely benign. Last evaluated: 2024-03-09. Review status: criteria provided, single submitter. Criteria: ACMG Guidelines, 2015. Collection method: clinical testing. Allele origin: germline.

GeneDx
Classification: Likely benign. Last evaluated: 2020-06-03. Review status: criteria provided, single submitter. Criteria: GeneDx Variant Classification Process June 2021. Collection method: clinical testing. Allele origin: germline. Affected: yes.

Breakthrough Genomics
Classification: Likely benign. Review status: criteria provided, single submitter. Criteria: ACMG Guidelines, 2015. Collection method: not provided. Allele origin: germline. Inheritance: Autosomal recessive inheritance. Affected: yes.